The following is an entry in ClinVar:

NM_000038.6(APC):c.1197A>C (p.Arg399Ser)

Gene: APC (APC regulator of Wnt signaling pathway; plus strand). Cytogenetic location: 5q22.2.
Variant type: single nucleotide variant.
Coding change: c.1197A>C on transcript NM_000038.6 (MANE Select); coding-DNA position 1197, A replaced by C.
Protein change: p.Arg399Ser; replaces arginine 399 with serine.
Molecular consequence: missense variant. On other transcripts: intron variant (4).
Genome position (GRCh38, 1-based): chr5:112,819,229, A>C. VCF-style: chr5-112819229-A-C. GRCh37 (hg19) VCF-style: chr5-112154926-A-C.
Other names: c.1197A>C, p.Arg399Ser (NM_001127510.3, NM_001354895.2, NM_001354896.2 and 4 more transcripts); c.1143A>C, p.Arg381Ser (NM_001127511.3); c.1227A>C, p.Arg409Ser (NM_001354897.2, NM_001407446.1); c.1122A>C, p.Arg374Ser (NM_001354898.2, NM_001407451.1); c.1113A>C, p.Arg371Ser (NM_001354899.2, NM_001407452.1); c.1020A>C, p.Arg340Ser (NM_001354900.2, NM_001354901.2, NM_001407453.1); c.348A>C, p.Arg116Ser (NM_001354906.2, NM_001407470.1); c.964-40A>C (NM_001354902.2); and 3 more; short protein forms R116S, R340S, R371S, R374S, R381S, R399S, R409S.
Identifiers: ClinVar variation 1720103 (VCV001720103.6), dbSNP rs786202331, ClinGen allele CA16023926.

ClinVar aggregate classification (germline): Uncertain significance (1 of 4 stars; one submission).

Conditions:
Familial adenomatous polyposis 1 (FAP1). Also called: FAMILIAL ADENOMATOUS POLYPOSIS 1, ATTENUATED; POLYPOSIS, ADENOMATOUS INTESTINAL. Identifiers: MedGen C2713442, MONDO:0021056, OMIM 175100. Disease mechanism: loss of function.

Submission:

Labcorp Genetics (formerly Invitae), Labcorp
Classification: Uncertain significance for Familial adenomatous polyposis 1. Last evaluated: 2022-09-23. Review status: criteria provided, single submitter. Criteria: Invitae Variant Classification Sherloc (09022015). Collection method: clinical testing. Allele origin: germline.
Comment: In summary, the available evidence is currently insufficient to determine the role of this variant in disease. Therefore, it has been classified as a Variant of Uncertain Significance. Advanced modeling of protein sequence and biophysical properties (such as structural, functional, and spatial information, amino acid conservation, physicochemical variation, residue mobility, and thermodynamic stability) performed at Invitae indicates that this missense variant is not expected to disrupt APC protein function. This variant has not been reported in the literature in individuals affected with APC-related conditions. This variant is not present in population databases (gnomAD no frequency). This sequence change replaces arginine, which is basic and polar, with serine, which is neutral and polar, at codon 399 of the APC protein (p.Arg399Ser).